The following is an entry in ClinVar:

NM_001182.5(ALDH7A1):c.517+5G>A

Gene: ALDH7A1 (aldehyde dehydrogenase 7 family member A1; minus strand). Cytogenetic location: 5q23.2.
Variant type: single nucleotide variant.
Coding change: c.517+5G>A on transcript NM_001182.5 (MANE Select); 5 bases into the intron after coding-DNA position 517, G replaced by A.
Molecular consequence: intron variant.
Genome position (GRCh38, 1-based): chr5:126,582,846, C>T on the plus strand (G>A on the coding strand, the complement: ALDH7A1 is on the minus strand). VCF-style: chr5-126582846-C-T. GRCh37 (hg19) VCF-style: chr5-125918538-C-T.
Other names: c.517+5G>A (NM_001202404.2); c.433+5G>A (NM_001201377.2).
Identifiers: ClinVar variation 2136325 (VCV002136325.4), dbSNP rs755992300, ClinGen allele CA3389756.
Genomic context (GRCh38, chr5:126,582,846, plus strand): 5'-TTTATTTTTTTTGGAGCTCTGTATATCAGAGTACAAAACTCAGCTTAACTAATTTCATTG[C>T]TTACTTTCAGAAGGCAAGATAGGTCCTCCAATCATCCTTGATAAACCAACAGCATAGTCA-3'

ClinVar aggregate classification (germline): Likely pathogenic (1 of 4 stars; one submission).

Conditions:
Pyridoxine-dependent epilepsy (EPEO4). Also called: Pyridoxine-Dependent Seizures; Pyridoxine-Dependent Epilepsy - ALDH7A1; PYRIDOXINE DEPENDENCY WITH SEIZURES; EPILEPSY, EARLY-ONSET, 4, VITAMIN B6-DEPENDENT. Identifiers: Orphanet 3006, MedGen C1849508, MONDO:0009945, OMIM 266100. Disease mechanism: loss of function.

Allele frequency attached by ClinVar (database versions not stated): ExAC 0.00001.
gnomAD v4.1: 1 of 1,612,070 alleles (0.000062%); highest among the groups gnomAD compares: African/African-American, 0.0013%; no homozygotes.

Submission:

Labcorp Genetics (formerly Invitae), Labcorp
Classification: Likely pathogenic for Pyridoxine-dependent epilepsy. Last evaluated: 2022-10-12. Review status: criteria provided, single submitter. Criteria: Invitae Variant Classification Sherloc (09022015). Collection method: clinical testing. Allele origin: germline.
Comment: In summary, the currently available evidence indicates that the variant is pathogenic, but additional data are needed to prove that conclusively. Therefore, this variant has been classified as Likely Pathogenic. Variants that disrupt the consensus splice site are a relatively common cause of aberrant splicing (PMID: 17576681, 9536098). Studies have shown that this variant is associated with altered splicing resulting in skipping of exon 5 (PMID: 18717709). This variant is also known as c.433+5G>A. This variant has been observed in individual(s) with pyridoxine dependent epilepsy (PMID: 18717709, 30043187). This variant is present in population databases (rs755992300, gnomAD 0.0009%). This sequence change falls in intron 5 of the ALDH7A1 gene. It does not directly change the encoded amino acid sequence of the ALDH7A1 protein. It affects a nucleotide within the consensus splice site.

Literature cited by the submitters: PubMed 17576681; PubMed 9536098; PubMed 18717709; PubMed 30043187.